The following is an entry in ClinVar:

NM_025114.4(CEP290):c.1273del (p.Arg425fs)

Gene: CEP290 (centrosomal protein 290; minus strand). Cytogenetic location: 12q21.32.
Variant type: Deletion.
Coding change: c.1273del on transcript NM_025114.4 (MANE Select); coding-DNA position 1273, one base deleted (A; older notation c.1273delA).
Protein change: p.Arg425fs; shifts the reading frame from arginine 425.
Molecular consequence: frameshift variant.
Genome position (GRCh38, 1-based): chr12:88,121,083, T deleted on the plus strand (A on the coding strand, the reverse complement: CEP290 is on the minus strand). VCF-style (leftmost placement, unchanged base first): chr12-88121082-CT-C. GRCh37 (hg19) VCF-style: chr12-88514859-CT-C.
Other names: short protein forms R425fs.
Identifiers: ClinVar variation 1909600 (VCV001909600.5), dbSNP rs2501093691, ClinGen allele CA2580086753.

ClinVar aggregate classification (germline): Pathogenic (1 of 4 stars; one submission).

Conditions:
Joubert syndrome. Also called: CEREBELLOPARENCHYMAL DISORDER IV; JOUBERT-BOLTSHAUSER SYNDROME; Familial aplasia of the vermis. Identifiers: Orphanet 475, MedGen C5979921, MONDO:0018772.
Meckel-Gruber syndrome. Also called: DYSENCEPHALIA SPLANCHNOCYSTICA; GRUBER SYNDROME; Dysencephalia splachnocystica. Identifiers: Orphanet 564, MedGen C0265215, MONDO:0018921.
Nephronophthisis. Also called: Juvenile Nephronophthisis. Identifiers: Orphanet 655, MedGen C0687120, MONDO:0019005, HP:0000090.

Submission:

Labcorp Genetics (formerly Invitae), Labcorp
Classification: Pathogenic for Joubert syndrome; Meckel-Gruber syndrome; Nephronophthisis. Last evaluated: 2022-08-31. Review status: criteria provided, single submitter. Criteria: Invitae Variant Classification Sherloc (09022015). Collection method: clinical testing. Allele origin: germline.
Comment: This variant is not present in population databases (gnomAD no frequency). This sequence change creates a premature translational stop signal (p.Arg425Glufs*17) in the CEP290 gene. It is expected to result in an absent or disrupted protein product. Loss-of-function variants in CEP290 are known to be pathogenic (PMID: 16909394, 17345604, 20690115). For these reasons, this variant has been classified as Pathogenic. This variant has not been reported in the literature in individuals affected with CEP290-related conditions.

Literature cited by the submitters: PubMed 16909394; PubMed 17345604; PubMed 20690115.